The following is an entry in ClinVar:

NM_015450.3(POT1):c.813C>T (p.Tyr271=)

Gene: POT1 (protection of telomeres 1; minus strand). Cytogenetic location: 7q31.33.
Variant type: single nucleotide variant.
Coding change: c.813C>T on transcript NM_015450.3 (MANE Select); coding-DNA position 813, C replaced by T.
Protein change: p.Tyr271=; no amino-acid change (tyrosine 271 retained).
Molecular consequence: synonymous variant. On other transcripts: non-coding transcript variant (3).
Genome position (GRCh38, 1-based): chr7:124,853,028, G>A on the plus strand (C>T on the coding strand, the complement: POT1 is on the minus strand). VCF-style: chr7-124853028-G-A. GRCh37 (hg19) VCF-style: chr7-124493082-G-A.
Other names: c.420C>T, p.Tyr140= (NM_001042594.2).
Identifiers: ClinVar variation 475104 (VCV000475104.45), dbSNP rs61756407, ClinGen allele CA4465354.
Genomic context (GRCh38, chr7:124,853,028, plus strand): 5'-TTACTTTTTCAGTTGATCCACATCAGAGTTACTTTCTGGCAAGACCCTGATTCCCCGACC[G>A]TAACTGGTACCTCCATGAAGATGAAACTCTAAACTTAACATTGTCTGATTCTCTGAATTC-3'
Protein context (NP_056265.2, residues 261-281): LEFHLHGGTS[Tyr271=]GRGIRVLPES

ClinVar aggregate classification (germline): Likely benign. Review status: criteria provided, multiple submitters, no conflicts (2 of 4 stars). 9 submissions from 9 submitters: Likely benign (8). 1 of the submissions does not count toward it. Last evaluated 2026-02-03.

Conditions:
Tumor predisposition syndrome 3 (TPDS3). Also called: Glioma susceptibility 9; Melanoma, cutaneous malignant, susceptibility to, 10; LONG TELOMERE SYNDROME, POT1-RELATED; POT1 Tumor Predisposition. Identifiers: Orphanet 618, MedGen C4014476, MONDO:0014368, OMIM 615848.
Pulmonary fibrosis and/or bone marrow failure syndrome, telomere-related, 8 (PFBMFT8). Identifiers: MedGen C5830496, MONDO:0957263, OMIM 620367.
Cerebroretinal microangiopathy with calcifications and cysts 3 (CRMCC3). Identifiers: MedGen C5830497, MONDO:0957264, OMIM 620368.
POT1-related disorder. Also called: POT1-related condition.
Hereditary cancer-predisposing syndrome. Also called: Hereditary neoplastic syndrome; Tumor predisposition; Neoplastic Syndromes, Hereditary; Hereditary Cancer Syndrome. Identifiers: Orphanet 140162, MedGen C0027672, MeSH D009386, MONDO:0015356.

Allele frequency attached by ClinVar (database versions not stated): ExAC 0.00008; ESP Exome Variant Server 0.00008; gnomAD 0.00009 and 0.00011; gnomAD exomes 0.00010 and 0.00011; TOPMed 0.00020.
gnomAD v4.1: 164 of 1,613,142 alleles (0.01%); highest among the groups gnomAD compares: Middle Eastern, 0.13%; no homozygotes.

Submissions (9):

Labcorp Genetics (formerly Invitae), Labcorp
Classification: Likely benign for Tumor predisposition syndrome 3. Last evaluated: 2026-02-03. Review status: criteria provided, single submitter. Criteria: Invitae Variant Classification Sherloc (09022015). Collection method: clinical testing. Allele origin: germline.

Center for Genomic Medicine, Rigshospitalet, Copenhagen University Hospital
Classification: Likely benign. Last evaluated: 2025-12-29. Review status: criteria provided, single submitter. Criteria: ACMG Guidelines, 2015. Collection method: clinical testing. Allele origin: germline.
Comment: Classification criteria: BP4, BP7

Department of Pathology and Laboratory Medicine, Sinai Health System
Classification: Likely benign for Tumor predisposition syndrome 3; Pulmonary fibrosis and/or bone marrow failure syndrome, telomere-related, 8; Cerebroretinal microangiopathy with calcifications and cysts 3. Last evaluated: 2024-12-27. Review status: criteria provided, single submitter. Criteria: ACMG Guidelines, 2015. Collection method: clinical testing. Allele origin: germline.

Blueprint Genetics
Classification: Likely benign. Last evaluated: 2024-11-27. Review status: criteria provided, single submitter. Criteria: ACMG Guidelines, 2015. Collection method: clinical testing. Allele origin: germline.

CeGaT Center for Human Genetics Tuebingen
Classification: Likely benign. Last evaluated: 2023-03-01. Review status: criteria provided, single submitter. Criteria: CeGaT Center For Human Genetics Tuebingen Variant Classification Criteria Version 2. Collection method: clinical testing. Allele origin: germline. Affected: yes. Observed: 1 variant allele.
Comment: POT1: BP4, BP7

Sema4
Classification: Likely benign for Hereditary cancer-predisposing syndrome. Last evaluated: 2022-02-04. Review status: criteria provided, single submitter. Criteria: Sema4 Curation Guidelines. Collection method: curation. Allele origin: germline.

GeneDx
Classification: Likely benign. Last evaluated: 2020-05-08. Review status: criteria provided, single submitter. Criteria: GeneDx Variant Classification Process June 2021. Collection method: clinical testing. Allele origin: germline. Affected: yes.

Ambry Genetics
Classification: Likely benign for Hereditary cancer-predisposing syndrome. Last evaluated: 2017-04-17. Review status: criteria provided, single submitter. Criteria: Ambry Variant Classification Scheme 2023. Collection method: clinical testing. Allele origin: germline.

PreventionGenetics, part of Exact Sciences
Classification: Likely benign for POT1-related condition. Last evaluated: 2021-10-18. Review status: no assertion criteria provided. Collection method: clinical testing. Allele origin: germline. Not counted in ClinVar's aggregate classification.
Comment: This variant is classified as likely benign based on ACMG/AMP sequence variant interpretation guidelines (Richards et al. 2015 PMID: 25741868, with internal and published modifications).